The following is an entry in ClinVar:

NM_000237.3(LPL):c.1014C>G (p.Tyr338Ter)

Gene: LPL (lipoprotein lipase; plus strand). Cytogenetic location: 8p21.3.
Variant type: single nucleotide variant.
Coding change: c.1014C>G on transcript NM_000237.3 (MANE Select); coding-DNA position 1014, C replaced by G.
Protein change: p.Tyr338Ter; replaces tyrosine 338 with a stop codon.
Molecular consequence: nonsense.
Genome position (GRCh38, 1-based): chr8:19,956,079, C>G. VCF-style: chr8-19956079-C-G. GRCh37 (hg19) VCF-style: chr8-19813590-C-G.
Other names: c.1014C>G (NM_000237.2); short protein forms Y338*.
Identifiers: ClinVar variation 2972813 (VCV002972813.4), dbSNP rs2540107342, ClinGen allele CA370469461.

ClinVar aggregate classification (germline): Pathogenic/Likely pathogenic. Review status: criteria provided, multiple submitters, no conflicts (2 of 4 stars). 2 submissions from 2 submitters: Pathogenic (1); Likely pathogenic (1). Last evaluated 2025-10-23.

Conditions:
LPL-related disorder. Also called: LPL-related condition.

Submissions (2):

PreventionGenetics, part of Exact Sciences
Classification: Likely pathogenic for LPL-related condition. Last evaluated: 2025-10-23. Review status: criteria provided, single submitter. Criteria: ACMG Guidelines, 2015. Collection method: clinical testing. Allele origin: germline.
Comment: The LPL c.1014C>G variant is predicted to result in premature protein termination (p.Tyr338*). p.Tyr338* has been reported in the homozygous state in an individual with lipoprotein lipase deficiency though the coding DNA sequence and transcript were not provided (Krueger et al. 2020. PubMed ID: 33004594). This variant is not reported in a large population database (gnomAD), indicating this variant is rare. Nonsense variants in LPL are expected to be pathogenic. This variant is interpreted as likely pathogenic.

Labcorp Genetics (formerly Invitae), Labcorp
Classification: Pathogenic. Last evaluated: 2023-09-19. Review status: criteria provided, single submitter. Criteria: Invitae Variant Classification Sherloc (09022015). Collection method: clinical testing. Allele origin: germline.
Comment: For these reasons, this variant has been classified as Pathogenic. This premature translational stop signal has been observed in individual(s) with clinical features of chylomicronemia (PMID: 32041611). This variant is not present in population databases (gnomAD no frequency). This sequence change creates a premature translational stop signal (p.Tyr338*) in the LPL gene. It is expected to result in an absent or disrupted protein product. Loss-of-function variants in LPL are known to be pathogenic (PMID: 11334614).

Literature cited by the submitters: PubMed 32041611 (cited by Labcorp Genetics (formerly Invitae), Labcorp); PubMed 11334614 (cited by Labcorp Genetics (formerly Invitae), Labcorp).